The following is an entry in ClinVar:

ClinVar aggregate classification (germline): Benign/Likely benign. Review status: criteria provided, multiple submitters, no conflicts (2 of 4 stars). 26 submissions from 19 submitters: Benign (19); Likely benign (3). 4 of the submissions do not count toward it. Last evaluated 2026-02-04.

Conditions:
Dilated cardiomyopathy 1G (CMD1G). Identifiers: Orphanet 154, MedGen C1858763, MONDO:0011400, OMIM 604145.
Autosomal recessive limb-girdle muscular dystrophy type 2J (LGMDR10). Also called: MUSCULAR DYSTROPHY, LIMB-GIRDLE, AUTOSOMAL RECESSIVE 10; Limb-girdle muscular dystrophy, type 2J. Identifiers: Orphanet 140922, MedGen C1837342, MONDO:0012127, OMIM 608807.
Cardiovascular phenotype. Identifiers: MedGen CN230736.
Early-onset myopathy with fatal cardiomyopathy (CMYO5). Also called: CONGENITAL MYOPATHY 5 WITH CARDIOMYOPATHY; Salih Myopathy. Identifiers: Orphanet 289377, MedGen C2673677, MONDO:0012714, OMIM 611705. Disease mechanism: loss of function.
Myopathy, myofibrillar, 9, with early respiratory failure (MFM9). Also called: Myopathy, distal, with early respiratory failure, autosomal dominant; Hereditary myopathy with early respiratory failure; MYOPATHY, PROXIMAL, WITH EARLY RESPIRATORY MUSCLE INVOLVEMENT; EDSTROM MYOPATHY. Identifiers: Orphanet 178464, Orphanet 34521, MedGen C1863599, MONDO:0011362, OMIM 603689.
Tibial muscular dystrophy (TMD). Also called: Udd Distal Myopathy – Tibial Muscular Dystrophy; Tibial muscular dystrophy, tardive; UDD MYOPATHY. Identifiers: Orphanet 609, MedGen C1838244, MONDO:0010870, OMIM 600334.

Allele frequency attached by ClinVar (database versions not stated): gnomAD 0.02014 and 0.01993; ESP Exome Variant Server 0.01578; gnomAD exomes 0.02604 and 0.02325; ExAC 0.02621; TOPMed 0.01857; 1000 Genomes Project 0.02236; 1000 Genomes Project 30x 0.02077.
gnomAD v4.1: 36,957 of 1,613,320 alleles (2.3%); highest among the groups gnomAD compares: East Asian, 6.3%; 526 homozygotes.

Submissions (26):

Labcorp Genetics (formerly Invitae), Labcorp
Classification: Benign for Dilated cardiomyopathy 1G; Autosomal recessive limb-girdle muscular dystrophy type 2J. Last evaluated: 2026-02-04. Review status: criteria provided, single submitter. Criteria: Invitae Variant Classification Sherloc (09022015). Collection method: clinical testing. Allele origin: germline.

Molecular Diagnostic Laboratory for Inherited Cardiovascular Disease, Montreal Heart Institute
Classification: Benign. Last evaluated: 2025-04-09. Review status: criteria provided, single submitter. Criteria: ACMG Guidelines, 2015. Collection method: clinical testing. Allele origin: germline. Affected: no.

Genome-Nilou Lab
Classification: Benign for Autosomal recessive limb-girdle muscular dystrophy type 2J. Last evaluated: 2021-09-10. Review status: criteria provided, single submitter. Criteria: ACMG Guidelines, 2015. Collection method: clinical testing. Allele origin: germline. Affected: no.

Genome-Nilou Lab
Classification: Benign for Myopathy, myofibrillar, 9, with early respiratory failure. Last evaluated: 2021-09-10. Review status: criteria provided, single submitter. Criteria: ACMG Guidelines, 2015. Collection method: clinical testing. Allele origin: germline. Affected: no.

Genome-Nilou Lab
Classification: Benign for Early-onset myopathy with fatal cardiomyopathy. Last evaluated: 2021-09-10. Review status: criteria provided, single submitter. Criteria: ACMG Guidelines, 2015. Collection method: clinical testing. Allele origin: germline. Affected: no.

Genome-Nilou Lab
Classification: Benign for Tibial muscular dystrophy. Last evaluated: 2021-09-10. Review status: criteria provided, single submitter. Criteria: ACMG Guidelines, 2015. Collection method: clinical testing. Allele origin: germline. Affected: no.

Women's Health and Genetics/Laboratory Corporation of America, LabCorp
Classification: Likely benign. Last evaluated: 2020-01-11. Review status: criteria provided, single submitter. Criteria: LabCorp Variant Classification Summary - May 2015. Collection method: clinical testing. Allele origin: germline.

Athena Diagnostics
Classification: Benign. Last evaluated: 2019-01-16. Review status: criteria provided, single submitter. Criteria: Athena Diagnostics Criteria. Collection method: clinical testing. Allele origin: germline.

Illumina Laboratory Services, Illumina
Classification: Benign for Tibial muscular dystrophy. Last evaluated: 2018-01-13. Review status: criteria provided, single submitter. Criteria: ICSL Variant Classification Criteria 13 December 2019. Collection method: clinical testing. Allele origin: germline.
Comment: This variant was observed in the ICSL laboratory as part of a predisposition screen in an ostensibly healthy population. It had not been previously curated by ICSL or reported in the Human Gene Mutation Database (HGMD: prior to June 1st, 2018), and was therefore a candidate for classification through an automated scoring system. Utilizing variant allele frequency, disease prevalence and penetrance estimates, and inheritance mode, an automated score was calculated to assess if this variant is too frequent to cause the disease. Based on the score and internal cut-off values, a variant classified as benign is not then subjected to further curation. The score for this variant resulted in a classification of benign for this disease.

Illumina Laboratory Services, Illumina
Classification: Likely benign for Dilated cardiomyopathy 1G. Last evaluated: 2018-01-13. Review status: criteria provided, single submitter. Criteria: ICSL Variant Classification Criteria 13 December 2019. Collection method: clinical testing. Allele origin: germline.
Comment: This variant was observed in the ICSL laboratory as part of a predisposition screen in an ostensibly healthy population. It had not been previously curated by ICSL or reported in the Human Gene Mutation Database (HGMD: prior to June 1st, 2018), and was therefore a candidate for classification through an automated scoring system. Utilizing variant allele frequency, disease prevalence and penetrance estimates, and inheritance mode, an automated score was calculated to assess if this variant is too frequent to cause the disease. Based on the score and internal cut-off values, a variant classified as likely benign is not then subjected to further curation. The score for this variant resulted in a classification of likely benign for this disease.

Illumina Laboratory Services, Illumina
Classification: Benign for Autosomal recessive limb-girdle muscular dystrophy type 2J. Last evaluated: 2018-01-13. Review status: criteria provided, single submitter. Criteria: ICSL Variant Classification Criteria 13 December 2019. Collection method: clinical testing. Allele origin: germline.
Comment: the same text as in the submission from Illumina Laboratory Services, Illumina above.

Illumina Laboratory Services, Illumina
Classification: Benign for Early-onset myopathy with fatal cardiomyopathy. Last evaluated: 2018-01-13. Review status: criteria provided, single submitter. Criteria: ICSL Variant Classification Criteria 13 December 2019. Collection method: clinical testing. Allele origin: germline.
Comment: the same text as in the submission from Illumina Laboratory Services, Illumina above.

Illumina Laboratory Services, Illumina
Classification: Benign for Myopathy, myofibrillar, 9, with early respiratory failure. Last evaluated: 2018-01-13. Review status: criteria provided, single submitter. Criteria: ICSL Variant Classification Criteria 13 December 2019. Collection method: clinical testing. Allele origin: germline.
Comment: the same text as in the submission from Illumina Laboratory Services, Illumina above.

Mayo Clinic Laboratories, Mayo Clinic
Classification: Benign. Last evaluated: 2017-10-03. Review status: criteria provided, single submitter. Criteria: ACMG Guidelines, 2015. Collection method: clinical testing. Allele origin: germline. Observed: 96 variant alleles.

Genetic Services Laboratory, University of Chicago
Classification: Benign for AllHighlyPenetrant. Last evaluated: 2013-08-15. Review status: criteria provided, single submitter. Criteria: ACMG Guidelines, 2007. Collection method: clinical testing. Allele origin: germline.

Eurofins Ntd Llc (ga)
Classification: Benign. Last evaluated: 2013-07-23. Review status: criteria provided, single submitter. Criteria: EGL Classification Definitions 2015. Collection method: clinical testing. Allele origin: germline. Observed: 1 variant allele, 1 heterozygote.

Biesecker Lab/Clinical Genomics Section, National Institutes of Health
Classification: Benign. Last evaluated: 2013-06-24. Review status: criteria provided, single submitter. Criteria: Ng et al. (Circ Cardiovasc Genet. 2013). Collection method: research. Allele origin: unknown. Observed: 26 variant alleles. Study: ClinSeq.
Comment: The study set was not selected for affection status in relation to any cancer. Pathogenicity categories were based on literature curation. See Pubmed ID:23861362 for details.

Medical sequencing

GeneDx
Classification: Benign. Last evaluated: 2013-04-29. Review status: criteria provided, single submitter. Criteria: GeneDx Variant Classification (06012015). Collection method: clinical testing. Allele origin: germline. Affected: yes.
Comment: This variant is considered likely benign or benign based on one or more of the following criteria: it is a conservative change, it occurs at a poorly conserved position in the protein, it is predicted to be benign by multiple in silico algorithms, and/or has population frequency not consistent with disease.

Ambry Genetics
Classification: Benign for Cardiovascular phenotype. Last evaluated: 2013-03-06. Review status: criteria provided, single submitter. Criteria: Ambry Autosomal Dominant and X-Linked criteria (10/2015). Collection method: clinical testing. Allele origin: germline. Observed: 1 variant allele.

Laboratory for Molecular Medicine, Mass General Brigham Personalized Medicine
Classification: Benign. Last evaluated: 2012-02-07. Review status: criteria provided, single submitter. Criteria: LMM Criteria. Collection method: clinical testing. Allele origin: germline. Observed: 65 variant alleles.

Breakthrough Genomics
Classification: Likely benign. Review status: criteria provided, single submitter. Criteria: ACMG Guidelines, 2015. Collection method: not provided. Allele origin: germline. Inheritance: Autosomal recessive inheritance. Affected: yes.

PreventionGenetics, part of Exact Sciences
Classification: Benign. Review status: criteria provided, single submitter. Criteria: ACMG Guidelines, 2015. Collection method: clinical testing. Allele origin: germline.

Clinical Genetics DNA and cytogenetics Diagnostics Lab, Erasmus MC, Erasmus Medical Center
Classification: Benign. Review status: no assertion criteria provided. Collection method: clinical testing. Allele origin: germline. Affected: yes. Study: VKGL Data-share Consensus. Not counted in ClinVar's aggregate classification.

Clinical Genetics, Academic Medical Center
Classification: Benign. Review status: no assertion criteria provided. Collection method: clinical testing. Allele origin: germline. Affected: yes. Study: VKGL Data-share Consensus. Not counted in ClinVar's aggregate classification.

Genome Diagnostics Laboratory, University Medical Center Utrecht
Classification: Benign. Review status: no assertion criteria provided. Collection method: clinical testing. Allele origin: germline. Affected: yes. Study: VKGL Data-share Consensus. Not counted in ClinVar's aggregate classification.

Joint Genome Diagnostic Labs from Nijmegen and Maastricht, Radboudumc and MUMC+
Classification: Benign. Review status: no assertion criteria provided. Collection method: clinical testing. Allele origin: germline. Affected: yes. Study: VKGL Data-share Consensus. Not counted in ClinVar's aggregate classification.

NM_001267550.2(TTN):c.76720T>C (p.Tyr25574His)

Genes: TTN (titin; minus strand), TTN-AS1 (TTN antisense RNA 1; plus strand). Cytogenetic location: 2q31.2.
Variant type: single nucleotide variant.
Coding change: c.76720T>C on transcript NM_001267550.2 (MANE Select); coding-DNA position 76720, T replaced by C.
Protein change: p.Tyr25574His; replaces tyrosine 25574 with histidine.
Molecular consequence: missense variant.
Genome position (GRCh38, 1-based): chr2:178,569,412, A>G on the plus strand (T>C on the coding strand, the complement: TTN is on the minus strand). VCF-style: chr2-178569412-A-G. GRCh37 (hg19) VCF-style: chr2-179434139-A-G.
Other names: p.Y23006H:TAT>CAT; c.49525T>C, p.Tyr16509His (NM_003319.4); c.69016T>C, p.Tyr23006His (NM_133378.4); c.49900T>C, p.Tyr16634His (NM_133432.3); c.50101T>C, p.Tyr16701His (NM_133437.4); c.71797T>C, p.Tyr23933His (NM_001256850.1); short protein forms Y25574H, Y23006H, Y23933H, Y16634H, Y16701H, Y16509H.
Identifiers: ClinVar variation 47349 (VCV000047349.40), dbSNP rs3813245, ClinGen allele CA283781.